The following is an entry in ClinVar:

ClinVar aggregate classification (germline): Likely pathogenic (1 of 4 stars; one submission).

Conditions:
Developmental and epileptic encephalopathy, 42 (DEE42A). Also called: DEVELOPMENTAL AND EPILEPTIC ENCEPHALOPATHY 42A; EPILEPTIC ENCEPHALOPATHY, EARLY INFANTILE, 42A; Epileptic encephalopathy, early infantile, 42. Identifiers: MedGen C4310716, MONDO:0014917, OMIM 617106.

Submission:

Laboratorio de Genetica e Diagnostico Molecular, Hospital Israelita Albert Einstein
Classification: Likely pathogenic for Developmental and epileptic encephalopathy, 42. Last evaluated: 2022-05-11. Review status: criteria provided, single submitter. Criteria: ACMG Guidelines, 2015. Collection method: clinical testing. Allele origin: germline. Affected: yes. Observed: 1 variant allele.
Comment: ACMG classification criteria: PM2 moderated, PM6 moderated, PP2 supporting, PP3 supporting

NM_001127222.2(CACNA1A):c.4927G>T (p.Asp1643Tyr)

Gene: CACNA1A (calcium voltage-gated channel subunit alpha1 A; minus strand). Cytogenetic location: 19p13.13.
Variant type: single nucleotide variant.
Coding change: c.4927G>T on transcript NM_001127222.2 (MANE Select); coding-DNA position 4927, G replaced by T.
Protein change: p.Asp1643Tyr; replaces aspartic acid 1643 with tyrosine.
Molecular consequence: missense variant.
Genome position (GRCh38, 1-based): chr19:13,245,205, C>A on the plus strand (G>T on the coding strand, the complement: CACNA1A is on the minus strand). VCF-style: chr19-13245205-C-A. GRCh37 (hg19) VCF-style: chr19-13356019-C-A.
Other names: c.4939G>T, p.Asp1647Tyr (NM_000068.4, NM_023035.3); c.4930G>T, p.Asp1644Tyr (NM_001127221.2, NM_001174080.2); short protein forms D1643Y, D1644Y, D1647Y.
Identifiers: ClinVar variation 2431757 (VCV002431757.1), dbSNP rs1064795531, ClinGen allele CA404337904.
Genomic context (GRCh38, chr19:13,245,205, plus strand): 5'-CCAGAGTCACCCAGAGAGAAGCTGGAGGGAGACTTACCCCAAACTCAGTCACGAGGATAT[C>A]GGTGATGCTGCCCAGAACAGTCACAAAGTCGAAGATGTTCCAGGCATCGCGGAAATAATT-3'
Protein context (NP_001120694.1, residues 1633-1653): DFVTVLGSIT[Asp1643Tyr]ILVTEFGNNF